The following is an entry in ClinVar:

ClinVar aggregate classification (germline): Likely benign. Review status: criteria provided, multiple submitters, no conflicts (2 of 4 stars). 3 submissions from 3 submitters: Likely benign (3). Last evaluated 2026-01-28.

Conditions:
Dystonia 12 (DYT12). Also called: Rapid-Onset Dystonia-Parkinsonism (RDP); DYT-ATP1A3. Identifiers: Orphanet 71517, MedGen C1868681, MONDO:0007496, OMIM 128235.

Allele frequency attached by ClinVar (database versions not stated): gnomAD exomes 0.00004 and 0.00009; ExAC 0.00009; ESP Exome Variant Server 0.00015; gnomAD 0.00025 and 0.00026; TOPMed 0.00025; 1000 Genomes Project 0.00060; 1000 Genomes Project 30x 0.00078.
gnomAD v4.1: 95 of 1,614,016 alleles (0.0059%); highest among the groups gnomAD compares: African/African-American, 0.087%; no homozygotes.

Submissions (3):

Labcorp Genetics (formerly Invitae), Labcorp
Classification: Likely benign for Dystonia 12. Last evaluated: 2026-01-28. Review status: criteria provided, single submitter. Criteria: Invitae Variant Classification Sherloc (09022015). Collection method: clinical testing. Allele origin: germline.

Mayo Clinic Laboratories, Mayo Clinic
Classification: Likely benign. Last evaluated: 2025-03-03. Review status: criteria provided, single submitter. Criteria: ACMG Guidelines, 2015. Collection method: clinical testing. Allele origin: germline. Observed: 1 variant allele.
Comment: BP4, BP7

Blueprint Genetics
Classification: Likely benign. Last evaluated: 2021-04-16. Review status: criteria provided, single submitter. Criteria: ACMG Guidelines, 2015. Collection method: clinical testing. Allele origin: germline.

NM_152296.5(ATP1A3):c.597C>T (p.His199=)

Gene: ATP1A3 (ATPase Na+/K+ transporting subunit alpha 3; minus strand). Cytogenetic location: 19q13.2.
Variant type: single nucleotide variant.
Coding change: c.597C>T on transcript NM_152296.5 (MANE Select); coding-DNA position 597, C replaced by T.
Protein change: p.His199=; no amino-acid change (histidine 199 retained).
Molecular consequence: synonymous variant.
Genome position (GRCh38, 1-based): chr19:41,985,873, G>A on the plus strand (C>T on the coding strand, the complement: ATP1A3 is on the minus strand). VCF-style: chr19-41985873-G-A. GRCh37 (hg19) VCF-style: chr19-42490025-G-A.
Other names: p.His199=; c.630C>T, p.His210= (NM_001256213.2); c.636C>T, p.His212= (NM_001256214.2).
Identifiers: ClinVar variation 698939 (VCV000698939.13), dbSNP rs139145792, ClinGen allele CA9467843.